The following is an entry in ClinVar:

ClinVar aggregate classification (germline): Uncertain significance (1 of 4 stars; one submission).

gnomAD v4.1: 1 of 1,598,304 alleles (0.000063%); no homozygotes.

Submission:

Labcorp Genetics (formerly Invitae), Labcorp
Classification: Uncertain significance. Last evaluated: 2025-10-04. Review status: criteria provided, single submitter. Criteria: Invitae Variant Classification Sherloc (09022015). Collection method: clinical testing. Allele origin: germline.
Comment: This sequence change replaces valine, which is neutral and non-polar, with methionine, which is neutral and non-polar, at codon 386 of the SLC9A3 protein (p.Val386Met). This variant is not present in population databases (gnomAD no frequency). This variant has not been reported in the literature in individuals affected with SLC9A3-related conditions. An algorithm developed to predict the effect of missense changes on protein structure and function (PolyPhen-2) suggests that this variant is likely to be disruptive. In summary, the available evidence is currently insufficient to determine the role of this variant in disease. Therefore, it has been classified as a Variant of Uncertain Significance.

NM_004174.4(SLC9A3):c.1156G>A (p.Val386Met)

Gene: SLC9A3 (solute carrier family 9 member A3). Cytogenetic location: 5p15.33.
Variant type: single nucleotide variant.
Coding change: c.1156G>A on transcript NM_004174.4 (MANE Select); coding-DNA position 1156, G replaced by A.
Protein change: p.Val386Met; replaces valine 386 with methionine.
Molecular consequence: missense variant.
Genome position (GRCh38, 1-based): chr5:482,748, C>T on the plus strand (G>A on the coding strand, the complement: SLC9A3 is on the minus strand). VCF-style: chr5-482748-C-T. GRCh37 (hg19) VCF-style: chr5-482863-C-T.
Other names: c.1156G>A, p.Val386Met (NM_001284351.3); short protein forms V386M.
Identifiers: ClinVar variation 4804302 (VCV004804302.1).